The following is an entry in ClinVar:

NM_153704.6(TMEM67):c.514C>T (p.Arg172Ter)

Gene: TMEM67 (transmembrane protein 67; plus strand). Cytogenetic location: 8q22.1.
Variant type: single nucleotide variant.
Coding change: c.514C>T on transcript NM_153704.6 (MANE Select); coding-DNA position 514, C replaced by T.
Protein change: p.Arg172Ter; replaces arginine 172 with a stop codon.
Molecular consequence: nonsense. On other transcripts: non-coding transcript variant (1).
Genome position (GRCh38, 1-based): chr8:93,765,413, C>T. VCF-style: chr8-93765413-C-T. GRCh37 (hg19) VCF-style: chr8-94777641-C-T.
Other names: c.271C>T, p.Arg91Ter (NM_001142301.1); short protein forms R172*, R91*.
Identifiers: ClinVar variation 506012 (VCV000506012.16), dbSNP rs765468645, ClinGen allele CA4807692.

ClinVar aggregate classification (germline): Pathogenic/Likely pathogenic. Review status: criteria provided, multiple submitters, no conflicts (2 of 4 stars). 7 submissions from 7 submitters: Pathogenic (5); Likely pathogenic (2). Last evaluated 2026-06-16.

Conditions:
RHYNS syndrome. Also called: RETINITIS PIGMENTOSA SYNDROME; RETINITIS PIGMENTOSA, HYPOPITUITARISM, NEPHRONOPHTHISIS, AND MILD SKELETAL DYSPLASIA. Identifiers: Orphanet 140976, MedGen C1865794, MONDO:0011202, OMIM 602152.
COACH syndrome 1. Identifiers: Orphanet 1454, MedGen C5435651, MONDO:0800103, OMIM 216360, MONDO:0008996.
Bardet-Biedl syndrome 14 (BBS14). Identifiers: Orphanet 110, MedGen C2673874, MONDO:0014442, OMIM 615991.
Joubert syndrome 6 (JBTS6). Identifiers: Orphanet 475, MedGen C1853153, MONDO:0012539, OMIM 610688.
Nephronophthisis 11 (NPHP11). Identifiers: Orphanet 84081, MedGen C3150796, MONDO:0013302, OMIM 613550.
Meckel syndrome, type 3 (MKS3). Also called: MECKEL-GRUBER SYNDROME, TYPE 3. Identifiers: Orphanet 564, MedGen C1846357, MONDO:0011821, OMIM 607361.
TMEM67-related disorder. Also called: TMEM67-related condition; TMEM67-related disorders. Identifiers: MedGen CN239423.
Meckel-Gruber syndrome. Also called: GRUBER SYNDROME; DYSENCEPHALIA SPLANCHNOCYSTICA; Dysencephalia splachnocystica. Identifiers: Orphanet 564, MedGen C0265215, MONDO:0018921.
Joubert syndrome. Also called: JOUBERT-BOLTSHAUSER SYNDROME; Familial aplasia of the vermis. Identifiers: Orphanet 475, MedGen C5979921, MONDO:0018772.
Generalized hypotonia. Identifiers: MedGen C1858120, HP:0001290.
Cerebellar vermis hypoplasia. Identifiers: MedGen C1840379, HP:0001320.
Nystagmus. Identifiers: MedGen C0028738, MONDO:0004843, HP:0000639.
Iris coloboma. Also called: Coloboma of iris. Identifiers: Orphanet 98944, MedGen C0240063, MONDO:0020356, HP:0000612.

Allele frequency attached by ClinVar (database versions not stated): ExAC 0.00001; gnomAD 0.00001 and 0.00002; gnomAD exomes 0.00001; TOPMed 0.00002.
gnomAD v4.1: 23 of 1,610,892 alleles (0.0014%); highest among the groups gnomAD compares: Non-Finnish European, 0.0017%; no homozygotes.

Submissions (7):

PreventionGenetics, part of Exact Sciences
Classification: Pathogenic for TMEM67-related condition. Last evaluated: 2026-06-16. Review status: criteria provided, single submitter. Criteria: ACMG Guidelines, 2015. Collection method: clinical testing. Allele origin: germline.
Comment: The TMEM67 c.514C>T variant is predicted to result in premature protein termination (p.Arg172*). This variant has been reported along with a second TMEM67 variant in an affected individual undergoing Meckel-Gruber syndrome and Joubert syndrome clinical genetic testing; however, no additional clinical details were provided (Table 1, Watson et al 2016. PubMed ID: 26729329). This variant is reported in 0.0040% of alleles in individuals of African descent in gnomAD. Nonsense variants in TMEM67 are expected to be pathogenic. This variant is interpreted as pathogenic.

Labcorp Genetics (formerly Invitae), Labcorp
Classification: Pathogenic for Joubert syndrome; Meckel-Gruber syndrome. Last evaluated: 2024-04-14. Review status: criteria provided, single submitter. Criteria: Invitae Variant Classification Sherloc (09022015). Collection method: clinical testing. Allele origin: germline.
Comment: This sequence change creates a premature translational stop signal (p.Arg172*) in the TMEM67 gene. It is expected to result in an absent or disrupted protein product. Loss-of-function variants in TMEM67 are known to be pathogenic (PMID: 20232449, 23559409). This variant is present in population databases (rs765468645, gnomAD 0.004%). This premature translational stop signal has been observed in individual(s) with Meckel-Gruber syndrome (PMID: 26729329). ClinVar contains an entry for this variant (Variation ID: 506012). For these reasons, this variant has been classified as Pathogenic.

Institute of Medical Genetics and Genomics, Sir Ganga Ram Hospital
Classification: Pathogenic for Meckel syndrome, type 3. Last evaluated: 2023-06-23. Review status: criteria provided, single submitter. Criteria: ACMG Guidelines, 2015. Collection method: clinical testing. Allele origin: germline. Inheritance: Autosomal recessive inheritance. Affected: no. Observed: 2 variant alleles, 2 heterozygotes.
Comment: The couple has a bad obstetric history. This stop gain variant is predicted to cause NMD in the gene TMEM67 where loss of function is a known mechanism (PVS1_very strong). 86 pathogenic null variants have been reported in this gene so far. The population frequency in gnomAD (aggregated) is 0.0011% (PM2_moderate). This has been previously reported PMID 26729329 (PP5_supporting).

Blueprint Genetics
Classification: Likely pathogenic for TMEM67-related disorders. Last evaluated: 2023-04-11. Review status: criteria provided, single submitter. Criteria: ACMG Guidelines, 2015. Collection method: clinical testing. Allele origin: germline. Affected: yes. Observed: 3 variant alleles.

Fulgent Genetics
Classification: Pathogenic for COACH syndrome 1; RHYNS syndrome; Meckel syndrome, type 3; Joubert syndrome 6; Nephronophthisis 11; Bardet-Biedl syndrome 14. Last evaluated: 2022-03-19. Review status: criteria provided, single submitter. Criteria: ACMG Guidelines, 2015. Collection method: clinical testing. Allele origin: unknown.

Laboratory for Molecular Medicine, Mass General Brigham Personalized Medicine
Classification: Likely pathogenic for Meckel-Gruber syndrome. Last evaluated: 2018-01-31. Review status: criteria provided, single submitter. Criteria: LMM Criteria. Collection method: clinical testing. Allele origin: germline. Inheritance: Autosomal recessive inheritance. Observed: 1 variant allele.
Comment: The p.Arg91X (NM_001142301.1 c.271C>T) (also described as NM_153704.5:c.514C>T p .Arg172X) variant in TMEM67 has been reported in 1 compound heterozygous individ ual with Meckel syndrome (Matson 2016). It has been identified in 1/24020 Africa n chromosomes by the Genome Aggregation Database (rg; rs765468645). This nonsense variant leads to a premature termination codon a t position 91, which is predicted to lead to a truncated or absent protein. Bial lelic loss of function of the TMEM67 gene is an established disease mechanism in Meckel syndrome. This alteration is then predicted to lead to a truncated or ab sent protein. In summary, although additional studies are required to fully esta blish its clinical significance, the p.Arg91X variant is likely pathogenic for M eckel syndrome in an autosomal recessive manner based on a predicted variant eff ect and its occurrence in an affected individual.

Centre for Mendelian Genomics, University Medical Centre Ljubljana
Classification: Pathogenic for Cerebellar vermis hypoplasia; Generalized hypotonia; Iris coloboma; Nystagmus. Last evaluated: 2017-01-01. Review status: criteria provided, single submitter. Criteria: ACMG Guidelines, 2015. Collection method: clinical testing. Allele origin: unknown. Affected: yes.

Literature cited by the submitters: PubMed 20232449 (cited by Labcorp Genetics (formerly Invitae), Labcorp); PubMed 23559409 (cited by Labcorp Genetics (formerly Invitae), Labcorp); PubMed 26729329 (cited by 3 submitters).